The following is an entry in ClinVar:

NM_002878.4(RAD51D):c.95T>G (p.Val32Gly)

Genes: RAD51D (RAD51 paralog D; minus strand), RAD51L3-RFFL (RAD51L3-RFFL readthrough; minus strand). Cytogenetic location: 17q12.
Variant type: single nucleotide variant.
Coding change: c.95T>G on transcript NM_002878.4 (MANE Select); coding-DNA position 95, T replaced by G.
Protein change: p.Val32Gly; replaces valine 32 with glycine.
Molecular consequence: missense variant. On other transcripts: non-coding transcript variant (2).
Genome position (GRCh38, 1-based): chr17:35,119,160, A>C on the plus strand (T>G on the coding strand, the complement: RAD51D is on the minus strand). VCF-style: chr17-35119160-A-C. GRCh37 (hg19) VCF-style: chr17-33446179-A-C.
Other names: c.95T>G, p.Val32Gly (NM_133629.3, NM_001142571.2); short protein forms V32G.
Identifiers: ClinVar variation 2563039 (VCV002563039.2), dbSNP rs2509185761, ClinGen allele CA399091991.

ClinVar aggregate classification (germline): Uncertain significance (1 of 4 stars; one submission).

Conditions:
Hereditary cancer-predisposing syndrome. Also called: Neoplastic Syndromes, Hereditary; Hereditary Cancer Syndrome; Hereditary neoplastic syndrome; Tumor predisposition. Identifiers: Orphanet 140162, MedGen C0027672, MeSH D009386, MONDO:0015356.

Submission:

Ambry Genetics
Classification: Uncertain significance for Hereditary cancer-predisposing syndrome. Last evaluated: 2023-05-25. Review status: criteria provided, single submitter. Criteria: Ambry Variant Classification Scheme 2023. Collection method: clinical testing. Allele origin: germline.
Comment: The p.V32G variant (also known as c.95T>G), located in coding exon 2 of the RAD51D gene, results from a T to G substitution at nucleotide position 95. The valine at codon 32 is replaced by glycine, an amino acid with dissimilar properties. This amino acid position is conserved. In addition, the in silico prediction for this alteration is inconclusive. Since supporting evidence is limited at this time, the clinical significance of this alteration remains unclear.